The following is an entry in ClinVar:

NM_001012720.2(RGR):c.765A>T (p.Lys255Asn)

Gene: RGR (retinal G protein coupled receptor; plus strand). Cytogenetic location: 10q23.1.
Variant type: single nucleotide variant.
Coding change: c.765A>T on transcript NM_001012720.2 (MANE Select); coding-DNA position 765, A replaced by T.
Protein change: p.Lys255Asn; replaces lysine 255 with asparagine.
Molecular consequence: missense variant.
Genome position (GRCh38, 1-based): chr10:84,258,528, A>T. VCF-style: chr10-84258528-A-T. GRCh37 (hg19) VCF-style: chr10-86018284-A-T.
Other names: c.651A>T, p.Lys217Asn (NM_001012722.2); c.777A>T, p.Lys259Asn (NM_002921.4); short protein forms K217N, K259N, K255N.
Identifiers: ClinVar variation 1353243 (VCV001353243.6), dbSNP rs773891800, ClinGen allele CA5581585.

ClinVar aggregate classification (germline): Uncertain significance (1 of 4 stars; one submission).

Allele frequency attached by ClinVar (database versions not stated): ExAC 0.00001; gnomAD exomes 0.00001.

Submission:

Labcorp Genetics (formerly Invitae), Labcorp
Classification: Uncertain significance. Last evaluated: 2024-11-05. Review status: criteria provided, single submitter. Criteria: Invitae Variant Classification Sherloc (09022015). Collection method: clinical testing. Allele origin: germline.
Comment: This sequence change replaces lysine, which is basic and polar, with asparagine, which is neutral and polar, at codon 255 of the RGR protein (p.Lys255Asn). This variant is not present in population databases (gnomAD no frequency). This variant has not been reported in the literature in individuals affected with RGR-related conditions. ClinVar contains an entry for this variant (Variation ID: 1353243). Experimental studies and prediction algorithms are not available or were not evaluated, and the functional significance of this variant is currently unknown. In summary, the available evidence is currently insufficient to determine the role of this variant in disease. Therefore, it has been classified as a Variant of Uncertain Significance.